The following is an entry in ClinVar:

NM_001286577.2(C2CD3):c.6573A>T (p.Gly2191=)

Gene: C2CD3 (C2 domain containing 3 centriole elongation regulator; minus strand). Cytogenetic location: 11q13.4.
Variant type: single nucleotide variant.
Coding change: c.6573A>T on transcript NM_001286577.2 (MANE Select); coding-DNA position 6573, A replaced by T.
Protein change: p.Gly2191=; no amino-acid change (glycine 2191 retained).
Molecular consequence: synonymous variant.
Genome position (GRCh38, 1-based): chr11:74,033,587, T>A on the plus strand (A>T on the coding strand, the complement: C2CD3 is on the minus strand). VCF-style: chr11-74033587-T-A. GRCh37 (hg19) VCF-style: chr11-73744632-T-A.
Identifiers: ClinVar variation 1905494 (VCV001905494.2), dbSNP rs1054491022, ClinGen allele CA224505526.

ClinVar aggregate classification (germline): Uncertain significance (1 of 4 stars; one submission).

gnomAD v4.1: 19 of 1,536,060 alleles (0.0012%); highest among the groups gnomAD compares: Non-Finnish European, 0.0015%; no homozygotes.

Submission:

Labcorp Genetics (formerly Invitae), Labcorp
Classification: Uncertain significance. Last evaluated: 2022-03-10. Review status: criteria provided, single submitter. Criteria: Invitae Variant Classification Sherloc (09022015). Collection method: clinical testing. Allele origin: germline.
Comment: The C2CD3 gene has multiple clinically relevant transcripts. This variant occurs in alternate transcript NM_001286577.1, and corresponds to NM_015531.5:c.*1011A>T in the primary transcript. This sequence change affects codon 2191 of the C2CD3 mRNA. It is a 'silent' change, meaning that it does not change the encoded amino acid sequence of the C2CD3 protein. This variant is present in population databases (no rsID available, gnomAD 0.003%). This variant has not been reported in the literature in individuals affected with C2CD3-related conditions. Experimental studies and prediction algorithms are not available or were not evaluated, and the effect of this variant on mRNA splicing is currently unknown. In summary, the available evidence is currently insufficient to determine the role of this variant in disease. Therefore, it has been classified as a Variant of Uncertain Significance.